The following is an entry in ClinVar:

ClinVar aggregate classification (germline): Conflicting classifications of pathogenicity. Review status: criteria provided, conflicting classifications (1 of 4 stars). 3 submissions from 3 submitters: Uncertain significance (1); Uncertain risk allele (1); Likely benign (1). Last evaluated 2026-01-02.

Conditions:
Maturity-onset diabetes of the young (MODY). Also called: Maturity onset diabetes mellitus in young. Identifiers: Orphanet 552, MedGen C0342276, MONDO:0018911, HP:0004904.

Allele frequency attached by ClinVar (database versions not stated): ExAC 0.00001; gnomAD 0.00001; gnomAD exomes 0.00001; 1000 Genomes Project 30x 0.00016; 1000 Genomes Project 0.00020.
gnomAD v4.1: 13 of 1,602,982 alleles (0.00081%); highest among the groups gnomAD compares: Non-Finnish European, 0.0011%; no homozygotes.

Submissions (3):

Labcorp Genetics (formerly Invitae), Labcorp
Classification: Likely benign. Last evaluated: 2026-01-02. Review status: criteria provided, single submitter. Criteria: Invitae Variant Classification Sherloc (09022015). Collection method: clinical testing. Allele origin: germline.

Broad Center for Mendelian Genomics, Broad Institute of MIT and Harvard
Classification: Uncertain significance for Maturity-onset diabetes of the young. Last evaluated: 2020-01-22. Review status: criteria provided, single submitter. Criteria: ACMG Guidelines, 2015. Collection method: curation. Allele origin: germline. Inheritance: Autosomal dominant inheritance.
Comment: The c.345-11T>G variant in HNF1B has not been previously reported in individuals with MODY and has been identified in 0.002% (2/102988) of European (non-Finnish) chromosomes by the Genome Aggregation Database (gnomAD; dbSNP rs200782591). Please note that for diseases with clinical variability, or reduced penetrance, pathogenic variants may be present at a low frequency in the general population. Computational prediction tools, including splice predictors, and conservation analyses suggest that this variant may not impact the protein, though this information is not predictive enough to rule out pathogenicity. In summary, the clinical significance of the c.345-11T>G variant is uncertain. ACMG/AMP Criteria applied: PM2, BP7, BP4 (Richards 2015).

Clinical Genomics, Uppaluri K&H Personalized Medicine Clinic
Classification: Uncertain risk allele for Maturity-onset diabetes of the young. Review status: criteria provided, single submitter. Criteria: K & H Uppaluri Personalized Medicine Clinic Variant Classification & Assertion Criteria_Updated V.1. Collection method: research. Allele origin: unknown. Inheritance: Autosomal dominant inheritance.
Comment: HNF1B gene mutations are associated with early onset diabetes and pancreatic atrophy. It is also associated with multiple renal manifestations including renal cysts, Tubulointerstitial disease, glomerulocystic disease, renal hypoplasia, hypomagnesemia. However no sufficient evidence is found to ascertain the role of this particular variant rs200782591, yet.

Literature cited by the submitters: PubMed 24897035 (cited by Clinical Genomics, Uppaluri K&H Personalized Medicine Clinic); PubMed 25536396 (cited by Clinical Genomics, Uppaluri K&H Personalized Medicine Clinic); PubMed 27615128 (cited by Clinical Genomics, Uppaluri K&H Personalized Medicine Clinic); PubMed 28215227 (cited by Clinical Genomics, Uppaluri K&H Personalized Medicine Clinic); PubMed 33434175 (cited by Clinical Genomics, Uppaluri K&H Personalized Medicine Clinic); PubMed 25741167 (cited by Clinical Genomics, Uppaluri K&H Personalized Medicine Clinic); PubMed 26340261 (cited by Clinical Genomics, Uppaluri K&H Personalized Medicine Clinic); PubMed 19639018 (cited by Clinical Genomics, Uppaluri K&H Personalized Medicine Clinic).

NM_000458.4(HNF1B):c.345-11T>G

Gene: HNF1B (HNF1 homeobox B; minus strand). Cytogenetic location: 17q12.
Variant type: single nucleotide variant.
Coding change: c.345-11T>G on transcript NM_000458.4 (MANE Select); 11 bases into the intron before coding-DNA position 345, T replaced by G.
Molecular consequence: intron variant.
Genome position (GRCh38, 1-based): chr17:37,739,650, A>C on the plus strand (T>G on the coding strand, the complement: HNF1B is on the minus strand). VCF-style: chr17-37739650-A-C. GRCh37 (hg19) VCF-style: chr17-36099641-A-C.
Other names: c.345-11T>G (NM_001304286.2, NM_001165923.4).
Identifiers: ClinVar variation 972777 (VCV000972777.4), dbSNP rs200782591, ClinGen allele CA8519083.